The following is an entry in ClinVar:

NM_000199.5(SGSH):c.376G>A (p.Val126Met)

Gene: SGSH (N-sulfoglucosamine sulfohydrolase; minus strand). Cytogenetic location: 17q25.3.
Variant type: single nucleotide variant.
Coding change: c.376G>A on transcript NM_000199.5 (MANE Select); coding-DNA position 376, G replaced by A.
Protein change: p.Val126Met; replaces valine 126 with methionine.
Molecular consequence: missense variant. On other transcripts: non-coding transcript variant (1).
Genome position (GRCh38, 1-based): chr17:80,214,745, C>T on the plus strand (G>A on the coding strand, the complement: SGSH is on the minus strand). VCF-style: chr17-80214745-C-T. GRCh37 (hg19) VCF-style: chr17-78188544-C-T.
Other names: c.376G>A, p.Val126Met (NM_001352921.3, NM_001352922.2); short protein forms V126M.
Identifiers: ClinVar variation 968884 (VCV000968884.10), dbSNP rs775553760, ClinGen allele CA8818037.
Genomic context (GRCh38, chr17:80,214,745, plus strand): 5'-GGACGGAGCCATTCTCCTCCGTGTACGCAAAGTCAAACGGGTACACGGTCTCCGGCCCCA[C>T]GTGCTTCTTCCCGATGATGCCTGGGCGGGAAGAGAGGCCTGGCCAGAGTCCCTTCAGCCT-3'
Protein context (NP_000190.1, residues 116-136): VRTGIIGKKH[Val126Met]GPETVYPFDF

ClinVar aggregate classification (germline): Uncertain significance. Review status: criteria provided, multiple submitters, no conflicts (2 of 4 stars). 3 submissions from 3 submitters: Uncertain significance (2). 1 of the submissions does not count toward it. Last evaluated 2025-05-14.

Conditions:
Mucopolysaccharidosis, MPS-III-A (MPS3A). Also called: mucopolysaccharidosis type 3A; MPS IIIA (Sanfilippo Syndrome Type A); HEPARAN SULFATE SULFATASE DEFICIENCY; MUCOPOLYSACCHARIDOSIS, TYPE IIIA, ATTENUATED; Mucopolysaccharidosis type IIIA (Sanfilippo A); Mucopolysaccharidosis, type IIIA. Identifiers: Orphanet 581, Orphanet 79269, MedGen C0086647, MONDO:0009655, OMIM 252900.

Allele frequency attached by ClinVar (database versions not stated): TOPMed 0.00002.
gnomAD v4.1: 59 of 1,612,412 alleles (0.0037%); highest among the groups gnomAD compares: East Asian, 0.011%; no homozygotes.

Submissions (3):

Labcorp Genetics (formerly Invitae), Labcorp
Classification: Uncertain significance for Mucopolysaccharidosis, MPS-III-A. Last evaluated: 2025-05-14. Review status: criteria provided, single submitter. Criteria: Invitae Variant Classification Sherloc (09022015). Collection method: clinical testing. Allele origin: germline.
Comment: This sequence change replaces valine, which is neutral and non-polar, with methionine, which is neutral and non-polar, at codon 126 of the SGSH protein (p.Val126Met). This variant is present in population databases (rs775553760, gnomAD 0.01%). This variant has not been reported in the literature in individuals affected with SGSH-related conditions. ClinVar contains an entry for this variant (Variation ID: 968884). Invitae Evidence Modeling of protein sequence and biophysical properties (such as structural, functional, and spatial information, amino acid conservation, physicochemical variation, residue mobility, and thermodynamic stability) indicates that this missense variant is not expected to disrupt SGSH protein function with a negative predictive value of 80%. In summary, the available evidence is currently insufficient to determine the role of this variant in disease. Therefore, it has been classified as a Variant of Uncertain Significance.

Genome-Nilou Lab
Classification: Uncertain significance for Mucopolysaccharidosis, MPS-III-A. Last evaluated: 2021-11-07. Review status: criteria provided, single submitter. Criteria: ACMG Guidelines, 2015. Collection method: clinical testing. Allele origin: germline. Affected: no.

Natera, Inc.
Classification: Uncertain significance for Mucopolysaccharidosis type IIIA. Last evaluated: 2020-04-30. Review status: no assertion criteria provided. Collection method: clinical testing. Allele origin: germline. Not counted in ClinVar's aggregate classification.